The following is an entry in ClinVar:

ClinVar aggregate classification (germline): Conflicting classifications of pathogenicity. Review status: criteria provided, conflicting classifications (1 of 4 stars). 5 submissions from 5 submitters: Likely pathogenic (4); Uncertain significance (1). Last evaluated 2025-12-29.

Conditions:
Hypoparathyroidism, familial isolated, 2. Identifiers: MedGen C5394383, MONDO:0020798, OMIM 618883.
Hyperparathyroidism 4 (HRPT4). Identifiers: MedGen C4479229, MONDO:0024570, OMIM 617343.
Familial hypoparathyroidism. Also called: Familial isolated hypoparathyroidism. Identifiers: Orphanet 2238, MedGen C1832648, MONDO:0016390.
GCM2-related disorder. Also called: GCM2-related condition.

Allele frequency attached by ClinVar (database versions not stated): gnomAD 0.00004 and 0.00006; TOPMed 0.00006; gnomAD exomes 0.00009 and 0.00025; 1000 Genomes Project 30x 0.00016; 1000 Genomes Project 0.00020; ExAC 0.00031.

Submissions (5):

Women's Health and Genetics/Laboratory Corporation of America, LabCorp
Classification: Likely pathogenic for Familial hypoparathyroidism. Last evaluated: 2025-12-29. Review status: criteria provided, single submitter. Criteria: LabCorp Variant Classification Summary - May 2015. Collection method: clinical testing. Allele origin: germline.
Comment: Variant summary: GCM2 c.1109C>T (p.Thr370Met) results in a non-conservative amino acid change in the encoded protein sequence. Algorithms developed to predict the effect of missense changes on protein structure and function are either unavailable or do not agree on the potential impact of this missense change. The variant allele was found at a frequency of 0.00025 in 251472 control chromosomes (gnomAD). This frequency is not significantly higher than estimated for disease-causing variants in GCM2, allowing no conclusion about variant significance. c.1109C>T has been observed in individuals affected with Familial Hypoparathyroidism in both the heterozygous and comopund heterozygous state (e.g. Tomar_2010, Mitushi_2014, Wang_2019). These data indicate that the variant may be associated with disease. At least one publication reports experimental evidence evaluating an impact on protein function, finding that the variant disrupts binding to GCM recognition elements and transactivation in vitro (Tomar_2010, Mitsui_2014). The following publications have been ascertained in the context of this evaluation (PMID: 19940031, 25137426, 31433868). ClinVar contains an entry for this variant (Variation ID: 1324460). Based on the evidence outlined above, the variant was classified as likely pathogenic.

Labcorp Genetics (formerly Invitae), Labcorp
Classification: Likely pathogenic. Last evaluated: 2025-06-12. Review status: criteria provided, single submitter. Criteria: Invitae Variant Classification Sherloc (09022015). Collection method: clinical testing. Allele origin: germline.
Comment: This sequence change replaces threonine, which is neutral and polar, with methionine, which is neutral and non-polar, at codon 370 of the GCM2 protein (p.Thr370Met). This variant is present in population databases (rs146395801, gnomAD 0.2%), including at least one homozygous and/or hemizygous individual. This missense change has been observed in individual(s) with autosomal recessive hypoparathyroidism (PMID: 19940031, 25137426). In at least one individual the data is consistent with being in trans (on the opposite chromosome) from a pathogenic variant. ClinVar contains an entry for this variant (Variation ID: 1324460). Invitae Evidence Modeling of protein sequence and biophysical properties (such as structural, functional, and spatial information, amino acid conservation, physicochemical variation, residue mobility, and thermodynamic stability) indicates that this missense variant is not expected to disrupt GCM2 protein function with a negative predictive value of 80%. Experimental studies have shown that this missense change affects GCM2 function (PMID: 19940031, 25137426). In summary, the currently available evidence indicates that the variant is pathogenic, but additional data are needed to prove that conclusively. Therefore, this variant has been classified as Likely Pathogenic.

PreventionGenetics, part of Exact Sciences
Classification: Likely pathogenic for GCM2-related condition. Last evaluated: 2024-11-01. Review status: criteria provided, single submitter. Criteria: ACMG Guidelines, 2015. Collection method: clinical testing. Allele origin: germline.
Comment: The GCM2 c.1109C>T variant is predicted to result in the amino acid substitution p.Thr370Met. This variant has been reported in two patients with autosomal recessive hypoparathyroidism (Tomar et al. 2010. PubMed ID: 19940031; Mitsui et al. 2014. PubMed ID: 25137426). Functional studies have shown that this variant affects protein function (Tomar et al. 2010. PubMed ID: 19940031; Mitsui et al. 2014. PubMed ID: 25137426). This variant is reported in 0.16% of alleles in individuals of Latino descent in gnomAD. This variant is interpreted as likely pathogenic.

Fulgent Genetics
Classification: Uncertain significance for Hyperparathyroidism 4; Hypoparathyroidism, familial isolated, 2. Last evaluated: 2023-12-21. Review status: criteria provided, single submitter. Criteria: ACMG Guidelines, 2015. Collection method: clinical testing. Allele origin: germline.

Revvity Omics, Revvity
Classification: Likely pathogenic. Last evaluated: 2019-06-22. Review status: criteria provided, single submitter. Criteria: ACMG Guidelines, 2015. Collection method: clinical testing. Allele origin: germline.

Literature cited by the submitters: PubMed 31433868 (cited by Women's Health and Genetics/Laboratory Corporation of America, LabCorp); PubMed 25137426 (cited by Women's Health and Genetics/Laboratory Corporation of America, LabCorp and Labcorp Genetics (formerly Invitae), Labcorp); PubMed 19940031 (cited by Women's Health and Genetics/Laboratory Corporation of America, LabCorp and Labcorp Genetics (formerly Invitae), Labcorp).

NM_004752.4(GCM2):c.1109C>T (p.Thr370Met)

Gene: GCM2 (GCM transcription factor 2; minus strand). Cytogenetic location: 6p24.2.
Variant type: single nucleotide variant.
Coding change: c.1109C>T on transcript NM_004752.4 (MANE Select); coding-DNA position 1109, C replaced by T.
Protein change: p.Thr370Met; replaces threonine 370 with methionine.
Molecular consequence: missense variant.
Genome position (GRCh38, 1-based): chr6:10,874,407, G>A on the plus strand (C>T on the coding strand, the complement: GCM2 is on the minus strand). VCF-style: chr6-10874407-G-A. GRCh37 (hg19) VCF-style: chr6-10874640-G-A.
Other names: short protein forms T370M.
Identifiers: ClinVar variation 1324460 (VCV001324460.11), dbSNP rs146395801, ClinGen allele CA3633948.